The following is an entry in ClinVar:

ClinVar aggregate classification (germline): Uncertain significance. Review status: criteria provided, multiple submitters, no conflicts (2 of 4 stars). 2 submissions from 2 submitters: Uncertain significance (2). Last evaluated 2024-08-05.

Conditions:
Hereditary cancer-predisposing syndrome. Also called: Tumor predisposition; Neoplastic Syndromes, Hereditary; Hereditary Cancer Syndrome; Hereditary neoplastic syndrome. Identifiers: Orphanet 140162, MedGen C0027672, MeSH D009386, MONDO:0015356.
Hereditary breast ovarian cancer syndrome. Also called: Hereditary breast and ovarian cancer; Breast and ovarian cancer; Hereditary breast and/or ovarian cancer syndrome; Hereditary breast and ovarian cancer syndrome; BRCA1- and BRCA2-Associated Hereditary Breast and Ovarian Cancer; Hereditary breast and ovarian cancer syndrome (HBOC). Identifiers: Orphanet 145, MedGen C0677776, MeSH D061325, MONDO:0003582. Disease mechanism: loss of function.

Submissions (2):

Ambry Genetics
Classification: Uncertain significance for Hereditary cancer-predisposing syndrome. Last evaluated: 2024-08-05. Review status: criteria provided, single submitter. Criteria: Ambry Variant Classification Scheme 2023. Collection method: clinical testing. Allele origin: germline.
Comment: The p.P65A variant (also known as c.193C>G), located in coding exon 2 of the BRCA2 gene, results from a C to G substitution at nucleotide position 193. The proline at codon 65 is replaced by alanine, an amino acid with highly similar properties. This amino acid position is conserved. In addition, this alteration is predicted to be tolerated by in silico analysis. Based on the available evidence, the clinical significance of this variant remains unclear.

Labcorp Genetics (formerly Invitae), Labcorp
Classification: Uncertain significance for Hereditary breast ovarian cancer syndrome. Last evaluated: 2024-04-27. Review status: criteria provided, single submitter. Criteria: Invitae Variant Classification Sherloc (09022015). Collection method: clinical testing. Allele origin: germline.
Comment: This sequence change replaces proline, which is neutral and non-polar, with alanine, which is neutral and non-polar, at codon 65 of the BRCA2 protein (p.Pro65Ala). This variant is not present in population databases (gnomAD no frequency). This variant has not been reported in the literature in individuals affected with BRCA2-related conditions. Advanced modeling of protein sequence and biophysical properties (such as structural, functional, and spatial information, amino acid conservation, physicochemical variation, residue mobility, and thermodynamic stability) performed at Invitae indicates that this missense variant is not expected to disrupt BRCA2 protein function with a negative predictive value of 95%. In summary, the available evidence is currently insufficient to determine the role of this variant in disease. Therefore, it has been classified as a Variant of Uncertain Significance.

NM_000059.4(BRCA2):c.193C>G (p.Pro65Ala)

Gene: BRCA2 (BRCA2 DNA repair associated; plus strand). Cytogenetic location: 13q13.1.
Variant type: single nucleotide variant.
Coding change: c.193C>G on transcript NM_000059.4 (MANE Select); coding-DNA position 193, C replaced by G.
Protein change: p.Pro65Ala; replaces proline 65 with alanine.
Molecular consequence: missense variant. On other transcripts: 5 prime UTR variant (1), non-coding transcript variant (1).
Genome position (GRCh38, 1-based): chr13:32,319,202, C>G. VCF-style: chr13-32319202-C-G. GRCh37 (hg19) VCF-style: chr13-32893339-C-G.
Other names: c.193C>G, p.Pro65Ala (NM_001406719.1, NM_001406720.1, NM_001406721.1 and 1 more transcripts); c.-177C>G (NM_001406722.1); short protein forms P65A.
Identifiers: ClinVar variation 3482050 (VCV003482050.3).